The following is an entry in ClinVar:

ClinVar aggregate classification (germline): Uncertain significance (1 of 4 stars; one submission).

gnomAD v4.1: 9 of 1,614,164 alleles (0.00056%); highest among the groups gnomAD compares: Admixed American, 0.013%; no homozygotes.

Submission:

Labcorp Genetics (formerly Invitae), Labcorp
Classification: Uncertain significance. Last evaluated: 2024-07-19. Review status: criteria provided, single submitter. Criteria: Invitae Variant Classification Sherloc (09022015). Collection method: clinical testing. Allele origin: germline.
Comment: This sequence change creates a premature translational stop signal (p.Gln177*) in the SLC9A3R1 gene. It is expected to result in an absent or disrupted protein product. However, the current clinical and genetic evidence is not sufficient to establish whether loss-of-function variants in SLC9A3R1 cause disease. This variant is present in population databases (rs756254122, gnomAD 0.02%). This variant has not been reported in the literature in individuals affected with SLC9A3R1-related conditions. In summary, the available evidence is currently insufficient to determine the role of this variant in disease. Therefore, it has been classified as a Variant of Uncertain Significance.

NM_004252.5(NHERF1):c.529C>T (p.Gln177Ter)

Gene: NHERF1 (NHERF family PDZ scaffold protein 1; plus strand). Cytogenetic location: 17q25.1.
Variant type: single nucleotide variant.
Coding change: c.529C>T on transcript NM_004252.5 (MANE Select); coding-DNA position 529, C replaced by T.
Protein change: p.Gln177Ter; replaces glutamine 177 with a stop codon.
Molecular consequence: nonsense.
Genome position (GRCh38, 1-based): chr17:74,762,099, C>T. VCF-style: chr17-74762099-C-T. GRCh37 (hg19) VCF-style: chr17-72758238-C-T.
Other names: short protein forms Q177*.
Identifiers: ClinVar variation 3624076 (VCV003624076.2).